The following is an entry in ClinVar:

ClinVar aggregate classification (germline): Uncertain significance (1 of 4 stars; one submission).

Submission:

GeneDx
Classification: Uncertain significance. Last evaluated: 2024-04-15. Review status: criteria provided, single submitter. Criteria: GeneDx Variant Classification Process June 2021. Collection method: clinical testing. Allele origin: germline. Affected: yes.
Comment: Not observed at significant frequency in large population cohorts (gnomAD); In silico analysis supports that this missense variant has a deleterious effect on protein structure/function; Has not been previously published as pathogenic or benign to our knowledge

NM_001349798.2(FBXW7):c.799C>T (p.His267Tyr)

Genes: FBXW7 (F-box and WD repeat domain containing 7; minus strand), FBXW7-AS1 (FBXW7 antisense RNA 1; plus strand). Cytogenetic location: 4q31.3.
Variant type: single nucleotide variant.
Coding change: c.799C>T on transcript NM_001349798.2 (MANE Select); coding-DNA position 799, C replaced by T.
Protein change: p.His267Tyr; replaces histidine 267 with tyrosine.
Molecular consequence: missense variant. On other transcripts: non-coding transcript variant (1).
Genome position (GRCh38, 1-based): chr4:152,337,864, G>A on the plus strand (C>T on the coding strand, the complement: FBXW7 is on the minus strand). VCF-style: chr4-152337864-G-A. GRCh37 (hg19) VCF-style: chr4-153259016-G-A.
Other names: c.445C>T, p.His149Tyr (NM_001013415.2); c.559C>T, p.His187Tyr (NM_018315.5); c.799C>T, p.His267Tyr (NM_033632.3); short protein forms H149Y, H187Y, H267Y.
Identifiers: ClinVar variation 3372572 (VCV003372572.1).